The following is an entry in ClinVar:

NM_024577.4(SH3TC2):c.386-2A>C

Gene: SH3TC2 (SH3 domain and tetratricopeptide repeats 2; minus strand). Cytogenetic location: 5q32.
Variant type: single nucleotide variant.
Coding change: c.386-2A>C on transcript NM_024577.4 (MANE Select); the canonical splice acceptor site of the intron before coding-DNA position 386, A replaced by C.
Molecular consequence: splice acceptor variant.
Genome position (GRCh38, 1-based): chr5:149,042,839, T>G on the plus strand (A>C on the coding strand, the complement: SH3TC2 is on the minus strand). VCF-style: chr5-149042839-T-G. GRCh37 (hg19) VCF-style: chr5-148422402-T-G.
Identifiers: ClinVar variation 694977 (VCV000694977.17), dbSNP rs145670786, ClinGen allele CA3499515.

ClinVar aggregate classification (germline): Pathogenic/Likely pathogenic. Review status: criteria provided, multiple submitters, no conflicts (2 of 4 stars). 7 submissions from 7 submitters: Pathogenic (3); Likely pathogenic (3). 1 of the submissions does not count toward it. Last evaluated 2026-03-13.

Conditions:
Charcot-Marie-Tooth disease type 4C (CMT4C). Also called: SH3TC2-Related Hereditary Motor and Sensory Neuropathy; CHARCOT-MARIE-TOOTH DISEASE, DEMYELINATING, AUTOSOMAL RECESSIVE, TYPE 4C; CHARCOT-MARIE-TOOTH DISEASE, DEMYELINATING, TYPE 4C; CMT 4C; Charcot-Marie-Tooth Neuropathy Type 4C (CMT4C). Identifiers: Orphanet 99949, MedGen C1866636, MONDO:0011113, OMIM 601596.
Charcot-Marie-Tooth disease type 4. Also called: Charcot-Marie-Tooth disease, type IV; Charcot-Marie-Tooth, Type 4. Identifiers: Orphanet 64749, MedGen C4082197, MONDO:0018995.
SH3TC2-related disorder. Also called: SH3TC2-related disorders; SH3TC2-related condition. Identifiers: MedGen CN239303.
Distal spinal muscular atrophy. Also called: Distal hereditary motor neuropathy; Distal hereditary motor neuronopathy. Identifiers: Orphanet 53739, MedGen C0393541, MONDO:0018894.
Inborn genetic diseases. Identifiers: MedGen C0950123, MeSH D030342.
Susceptibility to mononeuropathy of the median nerve, mild. Also called: CARPAL TUNNEL SYNDROME, SUSCEPTIBILITY TO. Identifiers: MedGen C3150596, MONDO:0013237, OMIM 613353.

Allele frequency attached by ClinVar (database versions not stated): gnomAD 0.00001 and 0.00002; gnomAD exomes 0.00001; ExAC 0.00002; TOPMed 0.00002; ESP Exome Variant Server 0.00008.
gnomAD v4.1: 145 of 1,613,982 alleles (0.009%); highest among the groups gnomAD compares: Non-Finnish European, 0.012%; no homozygotes.

Submissions (7):

PreventionGenetics, part of Exact Sciences
Classification: Likely pathogenic for SH3TC2-related condition. Last evaluated: 2026-03-13. Review status: criteria provided, single submitter. Criteria: ACMG Guidelines, 2015. Collection method: clinical testing. Allele origin: germline.
Comment: The SH3TC2 c.386-2A>C variant is predicted to disrupt the AG splice acceptor site and interfere with normal splicing. This variant has been reported in the compound heterozygous state in multiple individuals with Charcot-Marie-Tooth disease (CMT) (Table S2, Cortese et al. 2019. PubMed ID: 31827005; Table S1, Rehbein et al. 2023. PubMed ID: 36947133) and in the heterozygous state in an individual with CMT without mention of a second variant (Table S5, DiVincenzo et al. 2014. PubMed ID: 25614874). This variant is reported in 0.0026% of alleles in individuals of European (non-Finnish) descent in gnomAD, and is interpreted as likely pathogenic and pathogenic in the ClinVar database (Variation ID: 694977). Variants that disrupt the consensus splice acceptor site in SH3TC2 are expected to be pathogenic. This variant is interpreted as likely pathogenic for autosomal recessive Charcot-Marie-Tooth disease.

Labcorp Genetics (formerly Invitae), Labcorp
Classification: Pathogenic for Charcot-Marie-Tooth disease type 4. Last evaluated: 2025-05-11. Review status: criteria provided, single submitter. Criteria: Invitae Variant Classification Sherloc (09022015). Collection method: clinical testing. Allele origin: germline.
Comment: This sequence change affects an acceptor splice site in intron 4 of the SH3TC2 gene. It is expected to disrupt RNA splicing. Variants that disrupt the donor or acceptor splice site typically lead to a loss of protein function (PMID: 16199547), and loss-of-function variants in SH3TC2 are known to be pathogenic (PMID: 20220177, 27068304). This variant is present in population databases (rs145670786, gnomAD 0.003%). Disruption of this splice site has been observed in individuals with hereditary neuropathy (internal data). ClinVar contains an entry for this variant (Variation ID: 694977). Algorithms developed to predict the effect of sequence changes on RNA splicing suggest that this variant may disrupt the consensus splice site. For these reasons, this variant has been classified as Pathogenic.

GeneDx
Classification: Pathogenic. Last evaluated: 2024-10-31. Review status: criteria provided, single submitter. Criteria: GeneDx Variant Classification Process June 2021. Collection method: clinical testing. Allele origin: germline. Affected: yes.
Comment: Reported previously in a patient with demyelinating CMT with delayed walking, falls, scoliosis, facial weakness, hoarseness, and a positive family history who also harbored a deletion in SH3TC2 (phase unknown) (PMID: 31827005); Reported previously in a large cohort of patients with CMT; however, no other information was provided (PMID: 25614874); Canonical splice site variant predicted to result in an in-frame loss of the adjacent exon in a gene for which loss of function is a known mechanism of disease; Not observed at significant frequency in large population cohorts (gnomAD); This variant is associated with the following publications: (PMID: 36947133, 31827005, 25614874)

Fulgent Genetics
Classification: Likely pathogenic for Charcot-Marie-Tooth disease type 4C; Susceptibility to mononeuropathy of the median nerve, mild. Last evaluated: 2024-03-07. Review status: criteria provided, single submitter. Criteria: ACMG Guidelines, 2015. Collection method: clinical testing. Allele origin: germline.

Victorian Clinical Genetics Services, Murdoch Childrens Research Institute
Classification: Pathogenic for Charcot-Marie-Tooth disease type 4C. Last evaluated: 2022-09-02. Review status: criteria provided, single submitter. Criteria: ACMG Guidelines, 2015. Collection method: clinical testing. Allele origin: germline. Inheritance: Autosomal recessive inheritance. Affected: yes.
Comment: Based on the classification scheme VCGS_Germline_v1.3.4, this variant is classified as Pathogenic. Following criteria are met: 0102 - Loss of function is a known mechanism of disease in this gene and is associated with Charcot-Marie-Tooth disease, type 4C (CMT) (MIM#601596). The mechanism of disease for mild mononeuropathy of the median nerve (MIM#613353) is unknown, but gain of function has been suggested (PMID: 20220177). (I) 0108 - This gene is associated with both recessive and dominant disease. CMT is caused by biallelic variants, while autosomal dominant mild mononeuropathy of the median nerve is rare and has been reported in one family (OMIM, PMID: 20220177). (I) 0211 - Canonical splice site variant without proven consequence on splicing (no functional evidence available). (SP) 0251 - This variant is heterozygous. (I) 0304 - Variant is present in gnomAD (v2) <0.01 for a recessive condition (3 heterozygotes, 0 homozygotes). (SP) 0505 - Abnormal splicing is predicted by in silico tools and affected nucleotide is highly conserved. (SP) 0704 - Another splice variant comparable to the one identified in this case has limited previous evidence for pathogenicity. c.386-15G>A has been observed as compound heterozygous with a nonsense variant in two individuals from the same family with CMT. RNA studies show that this variant causes abnormal splicing (PMID: 30001926). (SP) 0802 - This variant has moderate previous evidence of pathogenicity in unrelated individuals. This variant has been classified as pathogenic and likely pathogenic by clinical laboratories in ClinVar, and observed as compound heterozygous with an exon 7 deletion in two siblings with CMT (PMID: 31827005). (SP) 1007 - No published functional evidence has been identified for this variant. (I) 1208 - Inheritance information for this variant is not currently available in this individual. (I) Legend: (SP) - Supporting pathogenic, (I) - Information, (SB) - Supporting benign

Ambry Genetics
Classification: Likely pathogenic for Inborn genetic diseases. Last evaluated: 2020-10-26. Review status: criteria provided, single submitter. Criteria: Ambry Variant Classification Scheme 2023. Collection method: clinical testing. Allele origin: germline.
Comment: The c.386-2A>C intronic variant results from an A to C substitution two nucleotides upstream from coding exon 5 in the SH3TC2 gene. Alterations that disrupt the canonical splice site are expected to result in aberrant splicing. In silico splice site analysis predicts that this alteration will weaken the native splice acceptor site and will result in the creation or strengthening of a novel splice acceptor site. The resulting transcript is predicted to be in-frame and is not expected to trigger nonsense-mediated mRNAdecay; however, direct evidence is unavailable. The exact functional effect of the missing amino acids is unknown. This alteration has been reported in trans with other pathogenic alterations in SH3TC2 in individuals with clinical features consistent with Charcot-Marie-Tooth disease, type 4C (CMT4C) (Cortese A et al. Neurology, 2020 01;94:e51-e61). Based on data from gnomAD, the C allele has an overall frequency of 0.001% (3/251434) total alleles studied. The highest observed frequency was 0.003% (3/113740) of European (non-Finnish) alleles. This nucleotide position is highly conserved in available vertebrate species. Based on the majority of available evidence to date, this variant is likely to be pathogenic.

Genesis Genome Database
Classification: Uncertain significance for Distal spinal muscular atrophy. Last evaluated: 2019-08-14. Review status: no assertion criteria provided. Collection method: research. Allele origin: germline. Affected: yes. Not counted in ClinVar's aggregate classification.

Literature cited by the submitters: PubMed 16199547 (cited by Labcorp Genetics (formerly Invitae), Labcorp); PubMed 20220177 (cited by Labcorp Genetics (formerly Invitae), Labcorp and Victorian Clinical Genetics Services, Murdoch Childrens Research Institute); PubMed 27068304 (cited by Labcorp Genetics (formerly Invitae), Labcorp); PubMed 30001926 (cited by Victorian Clinical Genetics Services, Murdoch Childrens Research Institute); PubMed 31827005 (cited by Victorian Clinical Genetics Services, Murdoch Childrens Research Institute and Ambry Genetics); PubMed 25614874 (cited by Ambry Genetics).